The following is an entry in ClinVar:

NM_024675.4(PALB2):c.2202T>A (p.Thr734=)

Gene: PALB2 (partner and localizer of BRCA2; minus strand). Cytogenetic location: 16p12.2.
Variant type: single nucleotide variant.
Coding change: c.2202T>A on transcript NM_024675.4 (MANE Select); coding-DNA position 2202, T replaced by A.
Protein change: p.Thr734=; no amino-acid change (threonine 734 retained).
Molecular consequence: synonymous variant. On other transcripts: intron variant (1).
Genome position (GRCh38, 1-based): chr16:23,629,952, A>T on the plus strand (T>A on the coding strand, the complement: PALB2 is on the minus strand). VCF-style: chr16-23629952-A-T. GRCh37 (hg19) VCF-style: chr16-23641273-A-T.
Other names: c.2142T>A, p.Thr714= (NM_001407296.1); c.2202T>A, p.Thr734= (NM_001407297.1, NM_001407298.1, NM_001407299.1 and 3 more transcripts); c.1317T>A, p.Thr439= (NM_001407304.1, NM_001407305.1, NM_001407306.1 and 5 more transcripts); c.414T>A, p.Thr138= (NM_001407312.1, NM_001407313.1); c.49-677T>A (NM_001407314.1).
Identifiers: ClinVar variation 3904029 (VCV003904029.1).
Genomic context (GRCh38, chr16:23,629,952, plus strand): 5'-AGTTCGTCCAGCAACTTCTGTAGATGCTTTTTCATAGGAGCCTTGAGGGCCAAAGGCTGG[A>T]GTAGTACCTAAGATGGGGAAAGCAGGTGAACACATGTCTGTGGTAGGCCTGTCATTATCA-3'
Protein context (NP_078951.2, residues 724-744): CSPAFPILGT[Thr734=]PAFGPQGSYE

ClinVar aggregate classification (germline): Benign (1 of 4 stars; one submission).

Conditions:
Familial cancer of breast. Also called: Hereditary breast cancer; hereditary breast carcinoma; BREAST CANCER, FAMILIAL. Identifiers: Orphanet 227535, MedGen C0346153, MONDO:0016419, OMIM 114480. Disease mechanism: loss of function.

Submission:

Myriad Genetics, Inc.
Classification: Benign for Familial cancer of breast. Last evaluated: 2025-01-15. Review status: criteria provided, single submitter. Criteria: Myriad Autosomal Dominant, Autosomal Recessive and X-Linked Classification Criteria (2023). Collection method: clinical testing. Allele origin: unknown.
Comment: This variant is considered benign. This variant is a silent/synonymous amino acid change and it is not expected to impact splicing.